The following is an entry in ClinVar:

NM_001166108.2(PALLD):c.1965-12958C>A

Gene: PALLD (palladin, cytoskeletal associated protein; plus strand). Cytogenetic location: 4q32.3.
Variant type: single nucleotide variant.
Coding change: c.1965-12958C>A on transcript NM_001166108.2 (MANE Select); 12958 bases into the intron before coding-DNA position 1965, C replaced by A.
Molecular consequence: intron variant. On other transcripts: missense variant (1).
Genome position (GRCh38, 1-based): chr4:168,877,964, C>A. VCF-style: chr4-168877964-C-A. GRCh37 (hg19) VCF-style: chr4-169799115-C-A.
Other names: c.73C>A, p.Gln25Lys (NM_001166110.2); c.1965-12958C>A (NM_016081.4); c.819-12958C>A (NM_001166109.2); c.-157-12958C>A (NM_001367570.1, NM_001367568.1, NM_001367567.1 and 1 more transcripts); short protein forms Q25K.
Identifiers: ClinVar variation 3927499 (VCV003927499.1).
Genomic context (GRCh38, chr4:168,877,964, plus strand): 5'-GCCTCCCGCTCCGCCCCCGCCATGCAGTCCTCCGGCTCCTTCAACTACGCGCGCCCCAAG[C>A]AGTTCATCGCCGCGCAGAACCTCGGGCCCGCGTCGGGCCACGGCACGCCGGCCTCCAGCC-3'

ClinVar aggregate classification (germline): Uncertain significance (1 of 4 stars; one submission).

gnomAD v4.1: 2 of 1,501,626 alleles (0.00013%); highest among the groups gnomAD compares: Non-Finnish European, 0.00018%; no homozygotes.

Submission:

Ambry Genetics
Classification: Uncertain significance. Last evaluated: 2025-05-19. Review status: criteria provided, single submitter. Criteria: Ambry Variant Classification Scheme 2023. Collection method: clinical testing. Allele origin: germline.
Comment: The p.Q25K variant (also known as c.73C>A), located in coding exon 1 of the PALLD gene, results from a C to A substitution at nucleotide position 73. The glutamine at codon 25 is replaced by lysine, an amino acid with similar properties. This amino acid position is conserved. In addition, the in silico prediction for this alteration is inconclusive. Based on the available evidence, the clinical significance of this variant remains unclear.